The following is an entry in ClinVar:

NM_138694.4(PKHD1):c.4870C>T (p.Arg1624Trp)

Genes: PKHD1 (PKHD1 ciliary IPT domain containing fibrocystin/polyductin; minus strand), LOC126859690 (MED14-independent group 3 enhancer GRCh37_chr6:51888848-51890047; plus strand). Cytogenetic location: 6p12.2.
Variant type: single nucleotide variant.
Coding change: c.4870C>T on transcript NM_138694.4 (MANE Select); coding-DNA position 4870, C replaced by T.
Protein change: p.Arg1624Trp; replaces arginine 1624 with tryptophan.
Molecular consequence: missense variant.
Genome position (GRCh38, 1-based): chr6:52,024,940, G>A on the plus strand (C>T on the coding strand, the complement: PKHD1 is on the minus strand). VCF-style: chr6-52024940-G-A. GRCh37 (hg19) VCF-style: chr6-51889738-G-A.
Other names: NM_138694.3(PKHD1):c.4870C>T(p.Arg1624Trp); NM_170724.2(PKHD1):c.4870C>T(p.Arg1624Trp); c.4870C>T, p.Arg1624Trp (NM_170724.3); c.4870C>T (NM_170724.2); short protein forms R1624W.
Identifiers: ClinVar variation 188369 (VCV000188369.126), dbSNP rs200391019, ClinGen allele CA334736.

ClinVar aggregate classification (germline): Pathogenic/Likely pathogenic. Review status: criteria provided, multiple submitters, no conflicts (2 of 4 stars). 40 submissions from 39 submitters: Pathogenic (28); Likely pathogenic (6). 6 of the submissions do not count toward it. Last evaluated 2026-08-06.

Conditions:
Polycystic kidney disease 4 (PKD4). Also called: POLYCYSTIC KIDNEY DISEASE 4 WITH OR WITHOUT POLYCYSTIC LIVER DISEASE; Autosomal Recessive Polycystic Kidney Disease – PKHD1; PKD3; POLYCYSTIC KIDNEY AND HEPATIC DISEASE 1; POLYCYSTIC KIDNEY DISEASE, INFANTILE, TYPE I. Identifiers: MedGen C4540575, MONDO:0033004, OMIM 263200.
Autosomal dominant polycystic liver disease. Also called: Congenital cystic disease of liver; Polycystic liver disease. Identifiers: Orphanet 2924, MedGen C0158683, MONDO:0000447, HP:0006557.
PKHD1-related disorder. Also called: PKHD1-related condition.
Caroli disease. Identifiers: Orphanet 53035, MedGen C0162510, MONDO:0010913, OMIM 600643.
Autosomal recessive polycystic kidney disease (ARPKD). Also called: AR polycystic kidney disease. Identifiers: Orphanet 731, Orphanet 8378, MedGen C0085548, MeSH D017044, MONDO:0009889.
Abnormal intrahepatic bile duct morphology. Identifiers: MedGen C4023577, HP:0011040.
Renal cyst. Also called: Renal cysts; cystic kidneys; Cystic kidney disease. Identifiers: MedGen C3887499, MONDO:0002473, HP:0000107.
Polycystic kidney disease. Also called: Kidney, Polycystic; Polycystic kidney dysplasia. Identifiers: MedGen C0022680, MeSH D007690, MONDO:0020642, HP:0000113.

Allele frequency attached by ClinVar (database versions not stated): gnomAD 0.00006; TOPMed 0.00009; ESP Exome Variant Server 0.00015; gnomAD exomes 0.00015; ExAC 0.00018.
gnomAD v4.1: 157 of 1,614,068 alleles (0.0097%); highest among the groups gnomAD compares: Middle Eastern, 0.049%; no homozygotes.

Submissions 1 to 12 of 40:

OLLIN Analises Genomicas, OLLIN
Classification: Pathogenic for Polycystic kidney disease 4. Last evaluated: 2026-08-06. Review status: criteria provided, single submitter. Criteria: ACMG Guidelines 2015 PMID 25741868. Collection method: clinical testing. Allele origin: germline. Inheritance: Autosomal recessive inheritance.
Comment: This missense variant, located in exon 32 (of 67), has been reported in ClinVar (accession VCV002095927.4), in gnomAD with an allele frequency of 0.0097%, and in the scientific literature, segregating with the phenotype and in compound heterozygosity, in individuals with PKHD1 related disorders (PMID: 15805161, 26695994, 11898128, 35715958). In silico analysis is inconclusive regarding the impact of this variant. According to the currently available evidence, this variant has been classified as pathogenic (PM2_P, PM3_VS, PP1).

Institute of Human Genetics, University of Leipzig Medical Center
Classification: Pathogenic for Polycystic kidney disease 4. Last evaluated: 2026-06-04. Review status: criteria provided, single submitter. Criteria: ACMG Guidelines, 2015. Collection method: clinical testing. Allele origin: unknown. Inheritance: Autosomal recessive inheritance. Affected: yes.
Comment: Criteria applied: PM3_VSTR,PM2

Labcorp Genetics (formerly Invitae), Labcorp
Classification: Pathogenic for Autosomal recessive polycystic kidney disease. Last evaluated: 2026-01-16. Review status: criteria provided, single submitter. Criteria: Invitae Variant Classification Sherloc (09022015). Collection method: clinical testing. Allele origin: germline.
Comment: This sequence change replaces arginine, which is basic and polar, with tryptophan, which is neutral and slightly polar, at codon 1624 of the PKHD1 protein (p.Arg1624Trp). This variant is present in population databases (rs200391019, gnomAD 0.02%). This missense change has been observed in individual(s) with autosomal recessive polycystic kidney disease (PMID: 16133180, 19914852, 26695994, 27225849; internal data). In at least one individual the data is consistent with being in trans (on the opposite chromosome) from a pathogenic variant. ClinVar contains an entry for this variant (Variation ID: 188369). Invitae Evidence Modeling of protein sequence and biophysical properties (such as structural, functional, and spatial information, amino acid conservation, physicochemical variation, residue mobility, and thermodynamic stability) indicates that this missense variant is not expected to disrupt PKHD1 protein function with a negative predictive value of 95%. For these reasons, this variant has been classified as Pathogenic.

Natera, Inc.
Classification: Pathogenic for Autosomal recessive polycystic kidney disease. Last evaluated: 2025-11-20. Review status: criteria provided, single submitter. Criteria: Natera Variant Classification Schema (03/2026). Collection method: clinical testing. Allele origin: germline.
Comment: The c.4870C>T variant in PKHD1 is a missense variant predicted to cause substitution of arginine to tryptophan at amino acid 1624. This variant is rare in the general population with a frequency below the threshold expected for the associated phenotype(s). This variant has been observed in one or more individuals affected with the associated recessive disease, as either homozygous or compound heterozygous with a second variant (PMID: 19914852). Given the available evidence, this variant is classified as Pathogenic.

GeneDx
Classification: Pathogenic. Last evaluated: 2025-09-15. Review status: criteria provided, single submitter. Criteria: GeneDx Variant Classification Process June 2021. Collection method: clinical testing. Allele origin: germline. Affected: yes.
Comment: In silico analysis supports that this missense variant has a deleterious effect on protein structure/function; This variant is associated with the following publications: (PMID: 32949114, 34853893, 34405919, 34645488, 30586318, 31130284, 27843768, 16133180, 11898128, 25701400, 19914852, 27401137, 27894351, 27151922, 28454995, 30202406, 31844813, 32799815, 31980526, 32571524, 32574212, 32398770, 34426522, 35812281, 36177613, 37644014, 35325889, 38178268, 35715958, 37078890, 37464296, 36938085)

Dasa
Classification: Pathogenic. Last evaluated: 2025-09-13. Review status: criteria provided, single submitter. Criteria: DASA Assertion Criteria. Collection method: clinical testing. Allele origin: germline.
Comment: NM_138694.4(PKHD1):c.4870C>T (p.Arg1624Trp) is a missense variant that results in the substitution of arginine with tryptophan. Segregation evidence has been reported in affected families. This variant has been observed in affected individuals with related phenotype in a genotype context consistent with recessive disease (PMID: 39071699; PMID: 11898128; PMID: 37850020; PMID: 26695994; PMID: 39467534). This variant has been recurrently observed in individuals with related phenotype (PMID: 39071699; PMID: 11898128; PMID: 37850020; PMID: 26695994; PMID: 39467534). The variant is present at low frequency in population datasets. Based on the available data, this variant is classified as pathogenic.

Immunogenetics and Transplant Biology Service, University Hospital "Città della Salute e della Scienza di Torino"
Classification: Likely pathogenic for Polycystic kidney disease 4. Last evaluated: 2025-06-28. Review status: criteria provided, single submitter. Criteria: ACMG Guidelines, 2015. Collection method: clinical testing. Allele origin: germline. Affected: yes.

First Genomix Gene Laboratory, Genetic Diagnostics Department
Classification: Pathogenic for Polycystic kidney disease 4. Last evaluated: 2025-05-28. Review status: criteria provided, single submitter. Criteria: ACMG Guidelines, 2015. Collection method: clinical testing. Allele origin: germline. Inheritance: Autosomal recessive inheritance. Affected: no. Observed: 1 variant allele.

Victorian Clinical Genetics Services, Murdoch Childrens Research Institute
Classification: Pathogenic for Polycystic kidney disease 4. Last evaluated: 2025-03-17. Review status: criteria provided, single submitter. Criteria: ACMG Guidelines, 2015. Collection method: clinical testing. Allele origin: germline. Affected: yes.
Comment: This variant is classified as Pathogenic. Evidence in support of pathogenic classification: Variant is present in gnomAD <0.01 for a recessive condition (v4: 157 heterozygote(s), 0 homozygote(s)); This variant has strong previous evidence of pathogenicity in unrelated individuals. This variant has been classified as likely pathogenic and pathogenic by multiple clinical laboratories in ClinVar. Additional information: Variant is predicted to result in a missense amino acid change from arginine to tryptophan; This variant is heterozygous; This gene is associated with autosomal recessive disease; however, there are emerging reports of heterozygous carriers of PKHD1 variants developing liver cysts and nephrocalcinosis (PMID: 21945273, 36691356); Alternative amino acid change(s) at the same position are present in gnomAD (Highest allele count: v4: 180 heterozygote(s), 2 homozygote(s)); Variant is located in the annotated IPT/TIG domain (DECIPHER); Missense variant with inconclusive in silico prediction and uninformative conservation; Loss of function is a known mechanism of disease in this gene and is associated with polycystic kidney disease 4, with or without hepatic disease (MIM#263200); Variants in this gene are known to have variable expressivity. Significant intrafamilial variability has been reported (PMID: 20301501); Inheritance information for this variant is not currently available in this individual.

Dubai Health Genomic Medicine Center, Dubai Health
Classification: Pathogenic for Polycystic kidney disease 4. Last evaluated: 2024-10-04. Review status: criteria provided, single submitter. Criteria: ACMG Guidelines, 2015. Collection method: research. Allele origin: germline. Affected: yes.
Comment: PS4,PM3strong,PM2,PP4

Blueprint Genetics
Classification: Pathogenic for PKHD1-related disorders. Last evaluated: 2024-08-09. Review status: criteria provided, single submitter. Criteria: ACMG Guidelines, 2015. Collection method: clinical testing. Allele origin: germline. Affected: yes. Observed: 5 variant alleles.

Revvity Omics, Revvity
Classification: Pathogenic for Polycystic kidney disease 4. Last evaluated: 2024-05-23. Review status: criteria provided, single submitter. Criteria: ACMG Guidelines, 2015. Collection method: clinical testing. Allele origin: germline.